The following is an entry in ClinVar:

NM_000264.5(PTCH1):c.1409G>T (p.Gly470Val)

Gene: PTCH1 (patched 1; minus strand). Cytogenetic location: 9q22.32.
Variant type: single nucleotide variant.
Coding change: c.1409G>T on transcript NM_000264.5 (MANE Select); coding-DNA position 1409, G replaced by T.
Protein change: p.Gly470Val; replaces glycine 470 with valine.
Molecular consequence: missense variant. On other transcripts: non-coding transcript variant (1), intron variant (1).
Genome position (GRCh38, 1-based): chr9:95,477,641, C>A on the plus strand (G>T on the coding strand, the complement: PTCH1 is on the minus strand). VCF-style: chr9-95477641-C-A. GRCh37 (hg19) VCF-style: chr9-98239923-C-A.
Other names: c.1211G>T, p.Gly404Val (NM_001083602.3); c.1406G>T, p.Gly469Val (NM_001083603.3); c.956G>T, p.Gly319Val (NM_001083604.3, NM_001083605.3, NM_001083606.3 and 1 more transcripts); c.1347+414G>T (NM_001354918.2); short protein forms G469V, G319V, G404V, G470V.
Identifiers: ClinVar variation 1771971 (VCV001771971.8), dbSNP rs1841160996, ClinGen allele CA374118555.

ClinVar aggregate classification (germline): Uncertain significance. Review status: criteria provided, multiple submitters, no conflicts (2 of 4 stars). 3 submissions from 3 submitters: Uncertain significance (3). Last evaluated 2024-05-11.

Conditions:
Gorlin syndrome. Also called: Nevoid Basal Cell Carcinoma Syndrome; Basal cell nevus syndrome. Identifiers: Orphanet 377, MedGen C0004779, MONDO:0007187.
Hereditary cancer-predisposing syndrome. Also called: Tumor predisposition; Neoplastic Syndromes, Hereditary; Hereditary Cancer Syndrome; Hereditary neoplastic syndrome. Identifiers: Orphanet 140162, MedGen C0027672, MeSH D009386, MONDO:0015356.

Allele frequency attached by ClinVar (database versions not stated): gnomAD exomes below 0.00001; TOPMed 0.00001.
gnomAD v4.1: 1 of 1,614,202 alleles (0.000062%); highest among the groups gnomAD compares: African/African-American, 0.0013%; no homozygotes.

Submissions (3):

Labcorp Genetics (formerly Invitae), Labcorp
Classification: Uncertain significance for Gorlin syndrome. Last evaluated: 2024-05-11. Review status: criteria provided, single submitter. Criteria: Invitae Variant Classification Sherloc (09022015). Collection method: clinical testing. Allele origin: germline.
Comment: This sequence change replaces glycine, which is neutral and non-polar, with valine, which is neutral and non-polar, at codon 470 of the PTCH1 protein (p.Gly470Val). This variant is not present in population databases (gnomAD no frequency). This variant has not been reported in the literature in individuals affected with PTCH1-related conditions. ClinVar contains an entry for this variant (Variation ID: 1771971). Advanced modeling of protein sequence and biophysical properties (such as structural, functional, and spatial information, amino acid conservation, physicochemical variation, residue mobility, and thermodynamic stability) performed at Invitae indicates that this missense variant is expected to disrupt PTCH1 protein function with a positive predictive value of 95%. In summary, the available evidence is currently insufficient to determine the role of this variant in disease. Therefore, it has been classified as a Variant of Uncertain Significance.

Ambry Genetics
Classification: Uncertain significance for Hereditary cancer-predisposing syndrome. Last evaluated: 2024-02-26. Review status: criteria provided, single submitter. Criteria: Ambry Variant Classification Scheme 2023. Collection method: clinical testing. Allele origin: germline.
Comment: The p.G470V variant (also known as c.1409G>T), located in coding exon 10 of the PTCH1 gene, results from a G to T substitution at nucleotide position 1409. The glycine at codon 470 is replaced by valine, an amino acid with dissimilar properties. This amino acid position is highly conserved in available vertebrate species. In addition, this alteration is predicted to be deleterious by in silico analysis. Based on the available evidence, the clinical significance of this alteration remains unclear.

GeneDx
Classification: Uncertain significance. Last evaluated: 2023-05-03. Review status: criteria provided, single submitter. Criteria: GeneDx Variant Classification Process June 2021. Collection method: clinical testing. Allele origin: germline. Affected: yes.
Comment: Not observed at significant frequency in large population cohorts (gnomAD); In silico analysis supports that this missense variant has a deleterious effect on protein structure/function; Has not been previously published as pathogenic or benign to our knowledge